The following is an entry in ClinVar:

NM_016203.4(PRKAG2):c.924G>A (p.Glu308=)

Gene: PRKAG2 (protein kinase AMP-activated non-catalytic subunit gamma 2; minus strand). Cytogenetic location: 7q36.1.
Variant type: single nucleotide variant.
Coding change: c.924G>A on transcript NM_016203.4 (MANE Select); coding-DNA position 924, G replaced by A.
Protein change: p.Glu308=; no amino-acid change (glutamic acid 308 retained).
Molecular consequence: synonymous variant.
Genome position (GRCh38, 1-based): chr7:151,576,393, C>T on the plus strand (G>A on the coding strand, the complement: PRKAG2 is on the minus strand). VCF-style: chr7-151576393-C-T. GRCh37 (hg19) VCF-style: chr7-151273479-C-T.
Other names: c.792G>A, p.Glu264= (NM_001040633.2, NM_001407024.1); c.549G>A, p.Glu183= (NM_001304527.2, NM_001407029.1); c.201G>A, p.Glu67= (NM_001304531.2, NM_001407034.1, NM_001407035.1 and 1 more transcripts); c.552G>A, p.Glu184= (NM_001363698.2, NM_001407028.1); c.924G>A, p.Glu308= (NM_001407021.1); c.921G>A, p.Glu307= (NM_001407022.1, NM_001407023.1); c.789G>A, p.Glu263= (NM_001407026.1, NM_001407027.1); c.636G>A, p.Glu212= (NM_001407030.1); and 6 more.
Identifiers: ClinVar variation 1950822 (VCV001950822.6), dbSNP rs2536413007, ClinGen allele CA458670542.

ClinVar aggregate classification (germline): Likely benign. Review status: criteria provided, multiple submitters, no conflicts (2 of 4 stars). 2 submissions from 2 submitters: Likely benign (2). Last evaluated 2024-08-13.

Conditions:
Lethal congenital glycogen storage disease of heart. Also called: PHOSPHORYLASE KINASE DEFICIENCY OF HEART; GLYCOGEN STORAGE DISEASE OF HEART. Identifiers: Orphanet 439854, MedGen C1849813, MONDO:0009867, OMIM 261740.
Hypertrophic cardiomyopathy. Also called: HYPERTROPHIC MYOCARDIOPATHY. Identifiers: Orphanet 217569, MedGen C0007194, MeSH D002312, MONDO:0005045, HP:0001639.

Submissions (2):

All of Us Research Program, National Institutes of Health
Classification: Likely benign for Hypertrophic cardiomyopathy. Last evaluated: 2024-08-13. Review status: criteria provided, single submitter. Criteria: ACMG Guidelines, 2015. Collection method: clinical testing. Allele origin: germline. Inheritance: Autosomal dominant inheritance. Observed: 2 variant alleles, 2 heterozygotes.
Comment: This study involves interpretation of variants in research participants for the purpose of population health screening. Participant phenotype was not available at the time of variant classification. Additional details can be found in publication PMID: 35346344, PMCID: PMC8962531

Labcorp Genetics (formerly Invitae), Labcorp
Classification: Likely benign for Lethal congenital glycogen storage disease of heart. Last evaluated: 2022-10-14. Review status: criteria provided, single submitter. Criteria: Invitae Variant Classification Sherloc (09022015). Collection method: clinical testing. Allele origin: germline.